The following is an entry in ClinVar:

NM_003835.4(RGS9):c.1256A>G (p.Lys419Arg)

Gene: RGS9 (regulator of G protein signaling 9; plus strand). Cytogenetic location: 17q24.1.
Variant type: single nucleotide variant.
Coding change: c.1256A>G on transcript NM_003835.4 (MANE Select); coding-DNA position 1256, A replaced by G.
Protein change: p.Lys419Arg; replaces lysine 419 with arginine.
Molecular consequence: missense variant.
Genome position (GRCh38, 1-based): chr17:65,207,974, A>G. VCF-style: chr17-65207974-A-G. GRCh37 (hg19) VCF-style: chr17-63204092-A-G.
Other names: c.1247A>G, p.Lys416Arg (NM_001081955.3, NM_001165933.2); short protein forms K419R, K416R.
Identifiers: ClinVar variation 861232 (VCV000861232.8), dbSNP rs368922750, ClinGen allele CA8717980.

ClinVar aggregate classification (germline): Uncertain significance. Review status: criteria provided, multiple submitters, no conflicts (2 of 4 stars). 2 submissions from 2 submitters: Uncertain significance (2). Last evaluated 2024-11-18.

Conditions:
Inborn genetic diseases. Identifiers: MedGen C0950123, MeSH D030342.

Allele frequency attached by ClinVar (database versions not stated): gnomAD exomes 0.00003 and 0.00004; ExAC 0.00007; ESP Exome Variant Server 0.00008; gnomAD 0.00014 and 0.00015; TOPMed 0.00015; 1000 Genomes Project 30x 0.00016; 1000 Genomes Project 0.00020.
gnomAD v4.1: 62 of 1,613,470 alleles (0.0038%); highest among the groups gnomAD compares: African/African-American, 0.059%; no homozygotes.

Submissions (2):

Labcorp Genetics (formerly Invitae), Labcorp
Classification: Uncertain significance. Last evaluated: 2024-11-18. Review status: criteria provided, single submitter. Criteria: Invitae Variant Classification Sherloc (09022015). Collection method: clinical testing. Allele origin: germline.
Comment: This sequence change replaces lysine, which is basic and polar, with arginine, which is basic and polar, at codon 419 of the RGS9 protein (p.Lys419Arg). This variant is present in population databases (rs368922750, gnomAD 0.05%). This variant has not been reported in the literature in individuals affected with RGS9-related conditions. ClinVar contains an entry for this variant (Variation ID: 861232). Invitae Evidence Modeling of protein sequence and biophysical properties (such as structural, functional, and spatial information, amino acid conservation, physicochemical variation, residue mobility, and thermodynamic stability) indicates that this missense variant is not expected to disrupt RGS9 protein function with a negative predictive value of 80%. In summary, the available evidence is currently insufficient to determine the role of this variant in disease. Therefore, it has been classified as a Variant of Uncertain Significance.

Ambry Genetics
Classification: Uncertain significance for Inborn genetic diseases. Last evaluated: 2024-07-31. Review status: criteria provided, single submitter. Criteria: Ambry Variant Classification Scheme 2023. Collection method: clinical testing. Allele origin: germline.